The following is an entry in ClinVar:

ClinVar aggregate classification (germline): Uncertain significance. Review status: criteria provided, multiple submitters, no conflicts (2 of 4 stars). 2 submissions from 2 submitters: Uncertain significance (2). Last evaluated 2025-11-18.

Conditions:
Hereditary cancer-predisposing syndrome. Also called: Tumor predisposition; Hereditary Cancer Syndrome; Hereditary neoplastic syndrome; Neoplastic Syndromes, Hereditary. Identifiers: Orphanet 140162, MedGen C0027672, MeSH D009386, MONDO:0015356.
Pheochromocytoma. Also called: MAX-Related Hereditary Paraganglioma-Pheochromocytoma Syndrome. Identifiers: Orphanet 29072, MedGen C0031511, MONDO:0008233, OMIM 171300, HP:0002666.
Gastrointestinal stromal tumor. Also called: Gastrointestinal stroma tumor; Gastrointestinal stromal tumor, somatic. Identifiers: Orphanet 44890, MedGen C0238198, MeSH D046152, MONDO:0011719, OMIM 606764, HP:0100723.
Pheochromocytoma/paraganglioma syndrome 4. Also called: CAROTID BODY TUMORS AND MULTIPLE EXTRAADRENAL PHEOCHROMOCYTOMAS; PARAGANGLIOMA, FAMILIAL MALIGNANT; PARAGANGLIOMAS, HEREDITARY EXTRAADRENAL; PHEOCHROMOCYTOMA, FAMILIAL EXTRAADRENAL; Paragangliomas 4; SDHB-Related Hereditary Paraganglioma-Pheochromocytoma Syndrome (Paragangliomas 4). Identifiers: Orphanet 29072, MedGen C1861848, MONDO:0007273, OMIM 115310.

Allele frequency attached by ClinVar (database versions not stated): gnomAD exomes below 0.00001.
gnomAD v4.1: 1 of 1,613,936 alleles (0.000062%); highest among the groups gnomAD compares: East Asian, 0.0022%; no homozygotes.

Submissions (2):

Ambry Genetics
Classification: Uncertain significance for Hereditary cancer-predisposing syndrome. Last evaluated: 2025-11-18. Review status: criteria provided, single submitter. Criteria: Ambry Variant Classification Scheme 2023. Collection method: clinical testing. Allele origin: germline.
Comment: The p.A33V variant (also known as c.98C>T), located in coding exon 2 of the SDHB gene, results from a C to T substitution at nucleotide position 98. The alanine at codon 33 is replaced by valine, an amino acid with similar properties. This amino acid position is highly conserved in available vertebrate species. In addition, the in silico prediction for this alteration is inconclusive. Based on the available evidence, the clinical significance of this variant remains unclear.

Labcorp Genetics (formerly Invitae), Labcorp
Classification: Uncertain significance for Gastrointestinal stromal tumor; Pheochromocytoma/paraganglioma syndrome 4; Pheochromocytoma. Last evaluated: 2022-11-15. Review status: criteria provided, single submitter. Criteria: Invitae Variant Classification Sherloc (09022015). Collection method: clinical testing. Allele origin: germline.
Comment: In summary, the available evidence is currently insufficient to determine the role of this variant in disease. Therefore, it has been classified as a Variant of Uncertain Significance. Advanced modeling of protein sequence and biophysical properties (such as structural, functional, and spatial information, amino acid conservation, physicochemical variation, residue mobility, and thermodynamic stability) performed at Invitae indicates that this missense variant is not expected to disrupt SDHB protein function. This variant has not been reported in the literature in individuals affected with SDHB-related conditions. This variant is not present in population databases (gnomAD no frequency). This sequence change replaces alanine, which is neutral and non-polar, with valine, which is neutral and non-polar, at codon 33 of the SDHB protein (p.Ala33Val).

NM_003000.3(SDHB):c.98C>T (p.Ala33Val)

Gene: SDHB (succinate dehydrogenase complex iron sulfur subunit B; minus strand). Cytogenetic location: 1p36.13.
Variant type: single nucleotide variant.
Coding change: c.98C>T on transcript NM_003000.3 (MANE Select); coding-DNA position 98, C replaced by T.
Protein change: p.Ala33Val; replaces alanine 33 with valine.
Molecular consequence: missense variant.
Genome position (GRCh38, 1-based): chr1:17,044,863, G>A on the plus strand (C>T on the coding strand, the complement: SDHB is on the minus strand). VCF-style: chr1-17044863-G-A. GRCh37 (hg19) VCF-style: chr1-17371358-G-A.
Other names: c.98C>T, p.Ala33Val (NM_001407361.1); short protein forms A33V.
Identifiers: ClinVar variation 2015489 (VCV002015489.4), dbSNP rs1557746669, ClinGen allele CA338228321.
Genomic context (GRCh38, chr1:17,044,863, plus strand): 5'-CCAGCCTTGTCTGGGTCCCATCGATAGATGGCAAATTTCTTGATACGGGGAGCTGTGGCT[G>A]CAGCTGTCTGGGCTCCTCGGGAGGCCTGAAATTTTTTAAAGTTCACAAAAAGGAAAAAAA-3'
Protein context (NP_002991.2, residues 23-43): LQASRGAQTA[Ala33Val]ATAPRIKKFA